The following is an entry in ClinVar:

NM_004360.5(CDH1):c.1016C>G (p.Pro339Arg)

Gene: CDH1 (cadherin 1; plus strand). Cytogenetic location: 16q22.1.
Variant type: single nucleotide variant.
Coding change: c.1016C>G on transcript NM_004360.5 (MANE Select); coding-DNA position 1016, C replaced by G.
Protein change: p.Pro339Arg; replaces proline 339 with arginine.
Molecular consequence: missense variant. On other transcripts: 5 prime UTR variant (2).
Genome position (GRCh38, 1-based): chr16:68,812,142, C>G. VCF-style: chr16-68812142-C-G. GRCh37 (hg19) VCF-style: chr16-68846045-C-G.
Other names: c.1016C>G, p.Pro339Arg (NM_001317184.2); c.-600C>G (NM_001317185.2); c.-804C>G (NM_001317186.2); short protein forms P339R.
Identifiers: ClinVar variation 957182 (VCV000957182.8), dbSNP rs1597894647, ClinGen allele CA396459934.

ClinVar aggregate classification (germline): Uncertain significance. Review status: criteria provided, multiple submitters, no conflicts (2 of 4 stars). 2 submissions from 2 submitters: Uncertain significance (2). Last evaluated 2026-07-06.

Conditions:
Hereditary cancer-predisposing syndrome. Also called: Neoplastic Syndromes, Hereditary; Hereditary Cancer Syndrome; Tumor predisposition; Hereditary neoplastic syndrome. Identifiers: Orphanet 140162, MedGen C0027672, MeSH D009386, MONDO:0015356.
Hereditary diffuse gastric adenocarcinoma (HDGC). Also called: DIFFUSE GASTRIC AND LOBULAR BREAST CANCER SYNDROME. Identifiers: Orphanet 26106, MedGen C1708349, MONDO:0007648, OMIM 137215.

Submissions (2):

Ambry Genetics
Classification: Uncertain significance for Hereditary cancer-predisposing syndrome. Last evaluated: 2026-07-06. Review status: criteria provided, single submitter. Criteria: Ambry Variant Classification Scheme 2023. Collection method: clinical testing. Allele origin: germline.
Comment: The p.P339R variant (also known as c.1016C>G), located in coding exon 8 of the CDH1 gene, results from a C to G substitution at nucleotide position 1016. The proline at codon 339 is replaced by arginine, an amino acid with dissimilar properties. This amino acid position is conserved. In addition, this alteration is predicted to be tolerated by in silico analysis. Based on the available evidence, the clinical significance of this variant remains unclear.

Labcorp Genetics (formerly Invitae), Labcorp
Classification: Uncertain significance for Hereditary diffuse gastric adenocarcinoma. Last evaluated: 2024-10-23. Review status: criteria provided, single submitter. Criteria: Invitae Variant Classification Sherloc (09022015). Collection method: clinical testing. Allele origin: germline.
Comment: This sequence change replaces proline, which is neutral and non-polar, with arginine, which is basic and polar, at codon 339 of the CDH1 protein (p.Pro339Arg). This variant is not present in population databases (gnomAD no frequency). This variant has not been reported in the literature in individuals affected with CDH1-related conditions. ClinVar contains an entry for this variant (Variation ID: 957182). An algorithm developed to predict the effect of missense changes on protein structure and function (PolyPhen-2) suggests that this variant is likely to be tolerated. In summary, the available evidence is currently insufficient to determine the role of this variant in disease. Therefore, it has been classified as a Variant of Uncertain Significance.